The following is an entry in ClinVar:

NM_000396.4(CTSK):c.214G>T (p.Glu72Ter)

Gene: CTSK (cathepsin K; minus strand). Cytogenetic location: 1q21.3.
Variant type: single nucleotide variant.
Coding change: c.214G>T on transcript NM_000396.4 (MANE Select); coding-DNA position 214, G replaced by T.
Protein change: p.Glu72Ter; replaces glutamic acid 72 with a stop codon.
Molecular consequence: nonsense.
Genome position (GRCh38, 1-based): chr1:150,806,131, C>A on the plus strand (G>T on the coding strand, the complement: CTSK is on the minus strand). VCF-style: chr1-150806131-C-A. GRCh37 (hg19) VCF-style: chr1-150778607-C-A.
Other names: short protein forms E72*.
Identifiers: ClinVar variation 1725637 (VCV001725637.2), dbSNP rs2525178470, ClinGen allele CA342337239.

ClinVar aggregate classification (germline): Likely pathogenic (1 of 4 stars; one submission).

Conditions:
Pyknodysostosis. Also called: Pycnodysostosis. Identifiers: Orphanet 763, MedGen C0238402, MONDO:0009940, OMIM 265800.

Submission:

Myriad Genetics, Inc.
Classification: Likely pathogenic for Pyknodysostosis. Last evaluated: 2022-03-30. Review status: criteria provided, single submitter. Criteria: Myriad Women's Health Autosomal Recessive and X-Linked Classification Criteria (2021). Collection method: clinical testing. Allele origin: unknown.
Comment: NM_000396.3(CTSK):c.214G>T(E72*) is expected to be pathogenic in the context of pycnodysostosis. This variant is predicted to lead to an abnormal or absent protein product due to the creation of a premature termination codon in CTSK, a gene where loss-of-function variants are known to be pathogenic. Please note: this variant was assessed in the context of healthy population screening.